The following is an entry in ClinVar:

ClinVar aggregate classification (germline): Uncertain significance (1 of 4 stars; one submission).

Conditions:
Familial thoracic aortic aneurysm and aortic dissection (TAAD). Also called: Thoracic aortic aneurysms and dissections. Identifiers: Orphanet 91387, MedGen C4707243, MONDO:0019625.

Submission:

Ambry Genetics
Classification: Uncertain significance for Familial thoracic aortic aneurysm and aortic dissection. Last evaluated: 2019-02-20. Review status: criteria provided, single submitter. Criteria: Ambry Variant Classification Scheme 2023. Collection method: clinical testing. Allele origin: germline.
Comment: The p.I1454N variant (also known as c.4361T>A), located in coding exon 23 of the MYLK gene, results from a T to A substitution at nucleotide position 4361. The isoleucine at codon 1454 is replaced by asparagine, an amino acid with dissimilar properties. This amino acid position is poorly conserved in available vertebrate species. In addition, this alteration is predicted to be tolerated by in silico analysis. Since supporting evidence is limited at this time, the clinical significance of this alteration remains unclear.

NM_053025.4(MYLK):c.4361T>A (p.Ile1454Asn)

Gene: MYLK (myosin light chain kinase; minus strand). Cytogenetic location: 3q21.1.
Variant type: single nucleotide variant.
Coding change: c.4361T>A on transcript NM_053025.4 (MANE Select); coding-DNA position 4361, T replaced by A.
Protein change: p.Ile1454Asn; replaces isoleucine 1454 with asparagine.
Molecular consequence: missense variant.
Genome position (GRCh38, 1-based): chr3:123,649,025, A>T on the plus strand (T>A on the coding strand, the complement: MYLK is on the minus strand). VCF-style: chr3-123649025-A-T. GRCh37 (hg19) VCF-style: chr3-123367872-A-T.
Other names: c.3833T>A, p.Ile1278Asn (NM_001321309.2); c.4154T>A, p.Ile1385Asn (NM_053026.4, NM_053028.4); c.4361T>A, p.Ile1454Asn (NM_053027.4); short protein forms I1278N, I1454N, I1385N.
Identifiers: ClinVar variation 1740020 (VCV001740020.2), dbSNP rs1479267897, ClinGen allele CA354227539.
Genomic context (GRCh38, chr3:123,649,025, plus strand): 5'-ACTTACGATCCTAATCTCTCCTCAATGTCGTAGAAGTCAGATACTTTTTGTTCAGTATTG[A>T]TTGTCACTGTCCGGTAATCAACCTCGGGCTCCTTCTCATCTGTGGGGCACAGGTCAGGGT-3'
Protein context (NP_444253.3, residues 1444-1464): EPEVDYRTVT[Ile1454Asn]NTEQKVSDFY